The following is an entry in ClinVar:

ClinVar aggregate classification (germline): Uncertain significance. Review status: criteria provided, multiple submitters, no conflicts (2 of 4 stars). 2 submissions from 2 submitters: Uncertain significance (2). Last evaluated 2025-02-08.

Conditions:
Hereditary cancer-predisposing syndrome. Also called: Tumor predisposition; Hereditary Cancer Syndrome; Hereditary neoplastic syndrome; Neoplastic Syndromes, Hereditary. Identifiers: Orphanet 140162, MedGen C0027672, MeSH D009386, MONDO:0015356.
Familial cancer of breast. Also called: BREAST CANCER, FAMILIAL; Hereditary breast cancer; hereditary breast carcinoma. Identifiers: Orphanet 227535, MedGen C0346153, MONDO:0016419, OMIM 114480. Disease mechanism: loss of function.

Allele frequency attached by ClinVar (database versions not stated): gnomAD exomes below 0.00001.
gnomAD v4.1: 1 of 1,614,064 alleles (0.000062%); highest among the groups gnomAD compares: South Asian, 0.0011%; no homozygotes.

Submissions (2):

Ambry Genetics
Classification: Uncertain significance for Hereditary cancer-predisposing syndrome. Last evaluated: 2025-02-08. Review status: criteria provided, single submitter. Criteria: Ambry Variant Classification Scheme 2023. Collection method: clinical testing. Allele origin: germline.
Comment: The p.P637R variant (also known as c.1910C>G), located in coding exon 5 of the PALB2 gene, results from a C to G substitution at nucleotide position 1910. The proline at codon 637 is replaced by arginine, an amino acid with dissimilar properties. This amino acid position is conserved. In addition, this alteration is predicted to be tolerated by in silico analysis. Based on the available evidence, the clinical significance of this variant remains unclear.

Labcorp Genetics (formerly Invitae), Labcorp
Classification: Uncertain significance for Familial cancer of breast. Last evaluated: 2022-07-11. Review status: criteria provided, single submitter. Criteria: Invitae Variant Classification Sherloc (09022015). Collection method: clinical testing. Allele origin: germline.
Comment: In summary, the available evidence is currently insufficient to determine the role of this variant in disease. Therefore, it has been classified as a Variant of Uncertain Significance. Algorithms developed to predict the effect of missense changes on protein structure and function are either unavailable or do not agree on the potential impact of this missense change (SIFT: "Deleterious"; PolyPhen-2: "Probably Damaging"; Align-GVGD: "Class C0"). ClinVar contains an entry for this variant (Variation ID: 410174). This variant has not been reported in the literature in individuals affected with PALB2-related conditions. This variant is not present in population databases (gnomAD no frequency). This sequence change replaces proline, which is neutral and non-polar, with arginine, which is basic and polar, at codon 637 of the PALB2 protein (p.Pro637Arg).

NM_024675.4(PALB2):c.1910C>G (p.Pro637Arg)

Gene: PALB2 (partner and localizer of BRCA2; minus strand). Cytogenetic location: 16p12.2.
Variant type: single nucleotide variant.
Coding change: c.1910C>G on transcript NM_024675.4 (MANE Select); coding-DNA position 1910, C replaced by G.
Protein change: p.Pro637Arg; replaces proline 637 with arginine.
Molecular consequence: missense variant.
Genome position (GRCh38, 1-based): chr16:23,630,244, G>C on the plus strand (C>G on the coding strand, the complement: PALB2 is on the minus strand). VCF-style: chr16-23630244-G-C. GRCh37 (hg19) VCF-style: chr16-23641565-G-C.
Other names: short protein forms P637R.
Identifiers: ClinVar variation 410174 (VCV000410174.10), dbSNP rs878855104, ClinGen allele CA16614838.